The following is an entry in ClinVar:

ClinVar aggregate classification (germline): Pathogenic (1 of 4 stars; one submission).

Conditions:
Congenital diarrhea 7 with exudative enteropathy. Also called: Diarrhea 7. Identifiers: Orphanet 329242, MedGen C4014516, MONDO:0014375, OMIM 615863.

Submission:

Victorian Clinical Genetics Services, Murdoch Childrens Research Institute
Classification: Pathogenic for Congenital diarrhea 7 with exudative enteropathy. Last evaluated: 2024-11-27. Review status: criteria provided, single submitter. Criteria: ACMG Guidelines, 2015. Collection method: clinical testing. Allele origin: germline. Affected: yes.
Comment: This variant is classified as Pathogenic. Evidence in support of pathogenic classification: Variant is predicted to cause nonsense-mediated decay (NMD) and loss of protein (premature termination codon is located at least 54 nucleotides upstream of the final exon-exon junction); Variant is absent from gnomAD (v2, v3 and v4); Other NMD-predicted variant(s) comparable to the one identified in this case have very strong previous evidence for pathogenicity (DECIPHER). Additional information: This variant is heterozygous; This gene is associated with autosomal recessive disease; This variant has no previous evidence of pathogenicity; No published segregation evidence has been identified for this variant; No published functional evidence has been identified for this variant; Loss of function is a known mechanism of disease in this gene and is associated with diarrhoea 7, protein-losing enteropathy type (MIM#615863); Heterozygous variant detected in trans with a second PATHOGENIC heterozygous variant, NM_012079.6(DGAT1):c.1190del; p.(Gly397Alafs*23), in a recessive disease.

NM_012079.6(DGAT1):c.796_809del (p.Asn266fs)

Gene: DGAT1 (diacylglycerol O-acyltransferase 1; minus strand). Cytogenetic location: 8q24.3.
Variant type: Deletion.
Coding change: c.796_809del on transcript NM_012079.6 (MANE Select); coding-DNA positions 796 to 809, 14 bases deleted (AACTTTCCCCGCTC).
Protein change: p.Asn266fs; shifts the reading frame from asparagine 266.
Molecular consequence: frameshift variant.
Genome position (GRCh38, 1-based): chr8:144,317,960-144,317,973, GAGCGGGGAAAGTT deleted on the plus strand (AACTTTCCCCGCTC on the coding strand, the reverse complement: DGAT1 is on the minus strand); deleting any 14 consecutive bases within chr8:144,317,960-144,317,977 gives the same sequence; the c. name uses the placement nearest the transcript's 3' end. VCF-style (leftmost placement, unchanged base first): chr8-144317959-AGAGCGGGGAAAGTT-A. GRCh37 (hg19) VCF-style: chr8-145541622-AGAGCGGGGAAAGTT-A.
Other names: short protein forms N266fs.
Identifiers: ClinVar variation 4532092 (VCV004532092.1).